The following is an entry in ClinVar:

ClinVar aggregate classification (germline): Uncertain significance (1 of 4 stars; one submission).

Submission:

GeneDx
Classification: Uncertain significance. Last evaluated: 2026-02-28. Review status: criteria provided, single submitter. Criteria: GeneDx Variant Classification Process June 2021. Collection method: clinical testing. Allele origin: germline.
Comment: Not observed at significant frequency in large population cohorts (gnomAD); In silico analysis suggests that this missense variant does not alter protein structure/function; Has not been previously published as pathogenic or benign to our knowledge

NM_000836.4(GRIN2D):c.2941C>T (p.Arg981Cys)

Gene: GRIN2D (glutamate ionotropic receptor NMDA type subunit 2D; plus strand). Cytogenetic location: 19q13.33.
Variant type: single nucleotide variant.
Coding change: c.2941C>T on transcript NM_000836.4 (MANE Select); coding-DNA position 2941, C replaced by T.
Protein change: p.Arg981Cys; replaces arginine 981 with cysteine.
Molecular consequence: missense variant.
Genome position (GRCh38, 1-based): chr19:48,442,867, C>T. VCF-style: chr19-48442867-C-T. GRCh37 (hg19) VCF-style: chr19-48946124-C-T.
Other names: short protein forms R981C.
Identifiers: ClinVar variation 5008066 (VCV005008066.1).
Genomic context (GRCh38, chr19:48,442,867, plus strand): 5'-TTCCACCGCTACTACGGCCCCATCGAGCCGCAGGGCCTAGGCCTCGGCCTGGGCGAAGCG[C>T]GCGCGGCACCGCGGGGCGCAGCCGGGCGCCCGCTGTCCCCGCCGGCCGCTCAGCCCCCGC-3'
Protein context (NP_000827.2, residues 971-991): QGLGLGLGEA[Arg981Cys]AAPRGAAGRP